The following is an entry in ClinVar:

ClinVar aggregate classification (germline): Uncertain significance. Review status: criteria provided, multiple submitters, no conflicts (2 of 4 stars). 3 submissions from 3 submitters: Uncertain significance (2). 1 of the submissions does not count toward it. Last evaluated 2025-12-22.

Conditions:
Inborn genetic diseases. Identifiers: MedGen C0950123, MeSH D030342.
NOD2-related disorder. Also called: NOD2-related condition.
Blau syndrome (BLAUS). Also called: ARTHROCUTANEOUVEAL GRANULOMATOSIS; GRANULOMATOSIS, FAMILIAL JUVENILE SYSTEMIC; GRANULOMATOSIS, FAMILIAL, BLAU TYPE; GRANULOMATOUS INFLAMMATORY ARTHRITIS, DERMATITIS, AND UVEITIS, FAMILIAL; JABS SYNDROME. Identifiers: Orphanet 90340, MedGen C5201146, MONDO:0008523, OMIM 186580.
Regional enteritis. Also called: Enteritis, Granulomatous. Identifiers: MedGen C0678202, MeSH D003424.

Allele frequency attached by ClinVar (database versions not stated): ExAC 0.00002; gnomAD exomes 0.00002 and 0.00003; gnomAD 0.00004; TOPMed 0.00004.
gnomAD v4.1: 43 of 1,613,838 alleles (0.0027%); highest among the groups gnomAD compares: South Asian, 0.0088%; no homozygotes.

Submissions (3):

Labcorp Genetics (formerly Invitae), Labcorp
Classification: Uncertain significance for Regional enteritis; Blau syndrome. Last evaluated: 2025-12-22. Review status: criteria provided, single submitter. Criteria: Invitae Variant Classification Sherloc (09022015). Collection method: clinical testing. Allele origin: germline.
Comment: This sequence change replaces arginine, which is basic and polar, with tryptophan, which is neutral and slightly polar, at codon 756 of the NOD2 protein (p.Arg756Trp). This variant is present in population databases (rs376201089, gnomAD 0.008%). This variant has not been reported in the literature in individuals affected with NOD2-related conditions. ClinVar contains an entry for this variant (Variation ID: 566143). Invitae Evidence Modeling of protein sequence and biophysical properties (such as structural, functional, and spatial information, amino acid conservation, physicochemical variation, residue mobility, and thermodynamic stability) indicates that this missense variant is not expected to disrupt NOD2 protein function with a negative predictive value of 95%. In summary, the available evidence is currently insufficient to determine the role of this variant in disease. Therefore, it has been classified as a Variant of Uncertain Significance.

Ambry Genetics
Classification: Uncertain significance for Inborn genetic diseases. Last evaluated: 2025-04-11. Review status: criteria provided, single submitter. Criteria: Ambry Variant Classification Scheme 2023. Collection method: clinical testing. Allele origin: germline.

PreventionGenetics, part of Exact Sciences
Classification: Uncertain significance for NOD2-related condition. Last evaluated: 2024-08-26. Review status: no assertion criteria provided. Collection method: clinical testing. Allele origin: germline. Not counted in ClinVar's aggregate classification.
Comment: The NOD2 c.2266C>T variant is predicted to result in the amino acid substitution p.Arg756Trp. To our knowledge, this variant has not been reported in the literature. This variant is reported in 0.0080% of alleles in individuals of African descent in gnomAD. At this time, the clinical significance of this variant is uncertain due to the absence of conclusive functional and genetic evidence.

NM_001370466.1(NOD2):c.2185C>T (p.Arg729Trp)

Gene: NOD2 (nucleotide binding oligomerization domain containing 2; plus strand). Cytogenetic location: 16q12.1.
Variant type: single nucleotide variant.
Coding change: c.2185C>T on transcript NM_001370466.1 (MANE Select); coding-DNA position 2185, C replaced by T.
Protein change: p.Arg729Trp; replaces arginine 729 with tryptophan.
Molecular consequence: missense variant. On other transcripts: non-coding transcript variant (1).
Genome position (GRCh38, 1-based): chr16:50,712,177, C>T. VCF-style: chr16-50712177-C-T. GRCh37 (hg19) VCF-style: chr16-50746088-C-T.
Other names: c.2266C>T (NM_022162.1); c.2185C>T, p.Arg729Trp (NM_001293557.2); c.2266C>T, p.Arg756Trp (NM_022162.3); short protein forms R756W, R729W.
Identifiers: ClinVar variation 566143 (VCV000566143.10), dbSNP rs376201089, ClinGen allele CA8051744.